The following is an entry in ClinVar:

ClinVar aggregate classification (germline): Uncertain significance (1 of 4 stars; one submission).

Conditions:
RYR1-related disorder. Also called: RYR1-related condition; RYR1-related disorders. Identifiers: MedGen CN239331.

Submission:

Labcorp Genetics (formerly Invitae), Labcorp
Classification: Uncertain significance for RYR1-related disorder. Last evaluated: 2024-10-05. Review status: criteria provided, single submitter. Criteria: Invitae Variant Classification Sherloc (09022015). Collection method: clinical testing. Allele origin: germline.
Comment: This sequence change falls in intron 30 of the RYR1 gene. It does not directly change the encoded amino acid sequence of the RYR1 protein. It affects a nucleotide within the consensus splice site. This variant is not present in population databases (gnomAD no frequency). This variant has not been reported in the literature in individuals affected with RYR1-related conditions. Variants that disrupt the consensus splice site are a relatively common cause of aberrant splicing (PMID: 17576681, 9536098). Algorithms developed to predict the effect of sequence changes on RNA splicing suggest that this variant is not likely to affect RNA splicing. In summary, the available evidence is currently insufficient to determine the role of this variant in disease. Therefore, it has been classified as a Variant of Uncertain Significance.

Literature cited by the submitters: PubMed 17576681; PubMed 9536098.

NM_000540.3(RYR1):c.4454+6G>T

Gene: RYR1 (ryanodine receptor 1; plus strand). Cytogenetic location: 19q13.2.
Variant type: single nucleotide variant.
Coding change: c.4454+6G>T on transcript NM_000540.3 (MANE Select); 6 bases into the intron after coding-DNA position 4454, G replaced by T.
Molecular consequence: intron variant.
Genome position (GRCh38, 1-based): chr19:38,477,876, G>T. VCF-style: chr19-38477876-G-T. GRCh37 (hg19) VCF-style: chr19-38968516-G-T.
Other names: c.4454+6G>T (NM_001042723.2).
Identifiers: ClinVar variation 3625098 (VCV003625098.2).
Genomic context (GRCh38, chr19:38,477,876, plus strand): 5'-AGGTCCGGGTCGTGACGGTGACCATGGGGGATGAACAAGGCAACGTCCACAGCAGGTGCC[G>T]GGGCTGGGGGGAGGTGGGAGGTGCAGGGTGGGGAGGGCAGGAGGCAGTCAGAGCTCCCGA-3'